The following is an entry in ClinVar:

ClinVar aggregate classification (germline): Uncertain significance. Review status: criteria provided, multiple submitters, no conflicts (2 of 4 stars). 2 submissions from 2 submitters: Uncertain significance (2). Last evaluated 2025-06-04.

Conditions:
Inborn genetic diseases. Identifiers: MedGen C0950123, MeSH D030342.

Allele frequency attached by ClinVar (database versions not stated): TOPMed below 0.00001; gnomAD 0.00001; gnomAD exomes 0.00001; ExAC 0.00004; 1000 Genomes Project 0.00020; 1000 Genomes Project 30x 0.00031.
gnomAD v4.1: 13 of 1,614,094 alleles (0.00081%); highest among the groups gnomAD compares: South Asian, 0.012%; no homozygotes.

Submissions (2):

Ambry Genetics
Classification: Uncertain significance for Inborn genetic diseases. Last evaluated: 2025-06-04. Review status: criteria provided, single submitter. Criteria: Ambry Variant Classification Scheme 2023. Collection method: clinical testing. Allele origin: germline.

CeGaT Center for Human Genetics Tuebingen
Classification: Uncertain significance. Last evaluated: 2023-10-01. Review status: criteria provided, single submitter. Criteria: CeGaT Center For Human Genetics Tuebingen Variant Classification Criteria Version 2. Collection method: clinical testing. Allele origin: germline. Affected: yes. Observed: 1 variant allele.
Comment: REV3L: PM2, BP4

NM_001372078.1(REV3L):c.5908C>T (p.Arg1970Cys)

Gene: REV3L (REV3 like, DNA directed polymerase zeta catalytic subunit; minus strand). Cytogenetic location: 6q21.
Variant type: single nucleotide variant.
Coding change: c.5908C>T on transcript NM_001372078.1 (MANE Select); coding-DNA position 5908, C replaced by T.
Protein change: p.Arg1970Cys; replaces arginine 1970 with cysteine.
Molecular consequence: missense variant.
Genome position (GRCh38, 1-based): chr6:111,367,880, G>A on the plus strand (C>T on the coding strand, the complement: REV3L is on the minus strand). VCF-style: chr6-111367880-G-A. GRCh37 (hg19) VCF-style: chr6-111689083-G-A.
Other names: c.5674C>T, p.Arg1892Cys (NM_001286431.2, NM_001286432.2); c.5908C>T, p.Arg1970Cys (NM_002912.5); c.5908C>T (NM_002912.3); short protein forms R1892C, R1970C.
Identifiers: ClinVar variation 2656851 (VCV002656851.24), dbSNP rs534585297, ClinGen allele CA3961786.
Genomic context (GRCh38, chr6:111,367,880, plus strand): 5'-TATCTTCAACCATCTTAGGGCTATTACTTGACCCTTTATTGACAACTCCTTGGCCACTGC[G>A]AAGGGGTGACCCTGGCCTTGGATTCTGAGTCATTGCTGAGAATGCTGTTTTCCAAAGACG-3'
Protein context (NP_001359007.1, residues 1960-1980): TQNPRPGSPL[Arg1970Cys]SGQGVVNKGS